The following is an entry in ClinVar:

ClinVar aggregate classification (germline): Uncertain significance. Review status: criteria provided, multiple submitters, no conflicts (2 of 4 stars). 2 submissions from 2 submitters: Uncertain significance (2). Last evaluated 2025-11-26.

Conditions:
Inborn genetic diseases. Identifiers: MedGen C0950123, MeSH D030342.

gnomAD v4.1: 71 of 1,614,012 alleles (0.0044%); highest among the groups gnomAD compares: Non-Finnish European, 0.0046%; no homozygotes.

Submissions (2):

Ambry Genetics
Classification: Uncertain significance for Inborn genetic diseases. Last evaluated: 2025-11-26. Review status: criteria provided, single submitter. Criteria: Ambry Variant Classification Scheme 2023. Collection method: clinical testing. Allele origin: germline.

Labcorp Genetics (formerly Invitae), Labcorp
Classification: Uncertain significance. Last evaluated: 2025-08-22. Review status: criteria provided, single submitter. Criteria: Invitae Variant Classification Sherloc (09022015). Collection method: clinical testing. Allele origin: germline.
Comment: This sequence change replaces serine, which is neutral and polar, with phenylalanine, which is neutral and non-polar, at codon 829 of the DUOX2 protein (p.Ser829Phe). This variant is present in population databases (rs747379855, gnomAD 0.02%). This variant has not been reported in the literature in individuals affected with DUOX2-related conditions. ClinVar contains an entry for this variant (Variation ID: 3711803). Invitae Evidence Modeling of protein sequence and biophysical properties (such as structural, functional, and spatial information, amino acid conservation, physicochemical variation, residue mobility, and thermodynamic stability) indicates that this missense variant is not expected to disrupt DUOX2 protein function with a negative predictive value of 80%. In summary, the available evidence is currently insufficient to determine the role of this variant in disease. Therefore, it has been classified as a Variant of Uncertain Significance.

NM_001363711.2(DUOX2):c.2486C>T (p.Ser829Phe)

Gene: DUOX2 (dual oxidase 2; minus strand). Cytogenetic location: 15q21.1.
Variant type: single nucleotide variant.
Coding change: c.2486C>T on transcript NM_001363711.2 (MANE Select); coding-DNA position 2486, C replaced by T.
Protein change: p.Ser829Phe; replaces serine 829 with phenylalanine.
Molecular consequence: missense variant.
Genome position (GRCh38, 1-based): chr15:45,104,214, G>A on the plus strand (C>T on the coding strand, the complement: DUOX2 is on the minus strand). VCF-style: chr15-45104214-G-A. GRCh37 (hg19) VCF-style: chr15-45396412-G-A.
Other names: c.2486C>T (NM_014080.4); c.2486C>T, p.Ser829Phe (NM_014080.5); short protein forms S829F.
Identifiers: ClinVar variation 3711803 (VCV003711803.3).